The following is an entry in ClinVar:

ClinVar aggregate classification (germline): Pathogenic (1 of 4 stars; one submission).

Submission:

Labcorp Genetics (formerly Invitae), Labcorp
Classification: Pathogenic. Last evaluated: 2023-10-28. Review status: criteria provided, single submitter. Criteria: Invitae Variant Classification Sherloc (09022015). Collection method: clinical testing. Allele origin: unknown.
Comment: A gross deletion of the genomic region encompassing the full coding sequence of the NDUFAF5 gene has been identified. Loss-of-function variants in NDUFAF5 are known to be pathogenic (PMID: 26275793, 30473481, 32918965). The boundaries of this event are unknown as they extend beyond the assayed region for this gene and therefore may encompass additional genes. This variant has not been reported in the literature in individuals affected with NDUFAF5-related conditions. For these reasons, this variant has been classified as Pathogenic.

Literature cited by the submitters: PubMed 26275793; PubMed 30473481; PubMed 32918965.

NC_000020.10:g.(?_13765715)_(15124933_?)del

Genes: FLRT3 (fibronectin leucine rich transmembrane protein 3; minus strand), MACROD2 (mono-ADP ribosylhydrolase 2; plus strand), NDUFAF5 (NADH:ubiquinone oxidoreductase complex assembly factor 5; plus strand), SEL1L2 (SEL1L2 adaptor subunit of SYVN1 ubiquitin ligase; minus strand). Cytogenetic location: 20p12.1.
Variant type: Deletion.
Identifiers: ClinVar variation 3248347 (VCV003248347.1).